The following is an entry in ClinVar:

ClinVar aggregate classification (germline): Uncertain significance (1 of 4 stars; one submission).

gnomAD v4.1: 2 of 1,594,634 alleles (0.00013%); highest among the groups gnomAD compares: African/African-American, 0.0013%; no homozygotes.

Submission:

Ambry Genetics
Classification: Uncertain significance. Last evaluated: 2023-10-08. Review status: criteria provided, single submitter. Criteria: Ambry Variant Classification Scheme 2023. Collection method: clinical testing. Allele origin: germline.
Comment: The p.F78L variant (also known as c.234T>G), located in coding exon 3 of the PRKDC gene, results from a T to G substitution at nucleotide position 234. The phenylalanine at codon 78 is replaced by leucine, an amino acid with highly similar properties. This amino acid position is conserved. In addition, this alteration is predicted to be tolerated by in silico analysis. Since supporting evidence is limited at this time, the clinical significance of this alteration remains unclear.

NM_006904.7(PRKDC):c.234T>G (p.Phe78Leu)

Gene: PRKDC (protein kinase, DNA-activated, catalytic subunit; minus strand). Cytogenetic location: 8q11.21.
Variant type: single nucleotide variant.
Coding change: c.234T>G on transcript NM_006904.7 (MANE Select); coding-DNA position 234, T replaced by G.
Protein change: p.Phe78Leu; replaces phenylalanine 78 with leucine.
Molecular consequence: missense variant.
Genome position (GRCh38, 1-based): chr8:47,957,261, A>C on the plus strand (T>G on the coding strand, the complement: PRKDC is on the minus strand). VCF-style: chr8-47957261-A-C. GRCh37 (hg19) VCF-style: chr8-48869821-A-C.
Other names: c.234T>G, p.Phe78Leu (NM_001081640.2); short protein forms F78L.
Identifiers: ClinVar variation 3225787 (VCV003225787.1), dbSNP rs746672297, ClinGen allele CA371141285.